The following is an entry in ClinVar:

ClinVar aggregate classification (germline): Uncertain significance. Review status: criteria provided, single submitter (1 of 4 stars). 2 submissions from 2 submitters: Uncertain significance (1). 1 of the submissions does not count toward it. Last evaluated 2021-08-24.

Conditions:
Charcot-Marie-Tooth disease axonal type 2S. Also called: CHARCOT-MARIE-TOOTH NEUROPATHY, TYPE 2S; CHARCOT-MARIE-TOOTH DISEASE, AXONAL, AUTOSOMAL RECESSIVE, TYPE 2S. Identifiers: Orphanet 443073, MedGen C4015349, MONDO:0014511, OMIM 616155.
Autosomal recessive distal spinal muscular atrophy 1. Also called: SEVERE INFANTILE AXONAL NEUROPATHY WITH RESPIRATORY FAILURE; SPINAL MUSCULAR ATROPHY, DIAPHRAGMATIC; Spinal muscular atrophy with respiratory distress 1; HMN VI; NEURONOPATHY, SEVERE INFANTILE AXONAL, WITH RESPIRATORY FAILURE; NEURONOPATHY, DISTAL HEREDITARY MOTOR, HARDING TYPE VI. Identifiers: Orphanet 98920, MedGen C1858517, MONDO:0011436, OMIM 604320.
Charcot-Marie-Tooth disease. Also called: Charcot-Marie-Tooth Neuropathy; Charcot-Marie-Tooth Hereditary Neuropathy. Identifiers: Orphanet 166, MedGen C0007959, MONDO:0015626.

Allele frequency attached by ClinVar (database versions not stated): gnomAD exomes 0.00003; gnomAD 0.00004 and 0.00005; TOPMed 0.00004; ExAC 0.00005; 1000 Genomes Project 0.00020; 1000 Genomes Project 30x 0.00031.
gnomAD v4.1: 49 of 1,614,236 alleles (0.003%); highest among the groups gnomAD compares: Non-Finnish European, 0.0036%; no homozygotes.

Submissions (2):

Labcorp Genetics (formerly Invitae), Labcorp
Classification: Uncertain significance for Autosomal recessive distal spinal muscular atrophy 1; Charcot-Marie-Tooth disease axonal type 2S. Last evaluated: 2021-08-24. Review status: criteria provided, single submitter. Criteria: Invitae Variant Classification Sherloc (09022015). Collection method: clinical testing. Allele origin: germline.
Comment: This sequence change replaces valine with methionine at codon 248 of the IGHMBP2 protein (p.Val248Met). The valine residue is moderately conserved and there is a small physicochemical difference between valine and methionine. This variant is present in population databases (rs201112136, ExAC 0.009%). This variant has not been reported in the literature in individuals affected with IGHMBP2-related conditions. ClinVar contains an entry for this variant (Variation ID: 694855). Algorithms developed to predict the effect of missense changes on protein structure and function are either unavailable or do not agree on the potential impact of this missense change (SIFT: "Deleterious"; PolyPhen-2: "Probably Damaging"; Align-GVGD: "Class C0"). In summary, the available evidence is currently insufficient to determine the role of this variant in disease. Therefore, it has been classified as a Variant of Uncertain Significance.

Genesis Genome Database
Classification: Uncertain significance for Charcot-Marie-Tooth disease. Last evaluated: 2019-08-14. Review status: no assertion criteria provided. Collection method: research. Allele origin: germline. Affected: yes. Not counted in ClinVar's aggregate classification.

NM_002180.3(IGHMBP2):c.742G>A (p.Val248Met)

Gene: IGHMBP2 (immunoglobulin mu DNA binding protein 2; plus strand). Cytogenetic location: 11q13.3.
Variant type: single nucleotide variant.
Coding change: c.742G>A on transcript NM_002180.3 (MANE Select); coding-DNA position 742, G replaced by A.
Protein change: p.Val248Met; replaces valine 248 with methionine.
Molecular consequence: missense variant.
Genome position (GRCh38, 1-based): chr11:68,914,853, G>A. VCF-style: chr11-68914853-G-A. GRCh37 (hg19) VCF-style: chr11-68682321-G-A.
Other names: short protein forms V248M.
Identifiers: ClinVar variation 694855 (VCV000694855.7), dbSNP rs201112136, ClinGen allele CA6153388.